The following is an entry in ClinVar:

NM_000702.4(ATP1A2):c.495+1G>A

Gene: ATP1A2 (ATPase Na+/K+ transporting subunit alpha 2; plus strand). Cytogenetic location: 1q23.2.
Variant type: single nucleotide variant.
Coding change: c.495+1G>A on transcript NM_000702.4 (MANE Select); the canonical splice donor site of the intron after coding-DNA position 495, G replaced by A.
Molecular consequence: splice donor variant.
Genome position (GRCh38, 1-based): chr1:160,124,057, G>A. VCF-style: chr1-160124057-G-A. GRCh37 (hg19) VCF-style: chr1-160093847-G-A.
Identifiers: ClinVar variation 3068693 (VCV003068693.1), dbSNP rs2524856472, ClinGen allele CA343233054.

ClinVar aggregate classification (germline): Uncertain significance (1 of 4 stars; one submission).

Conditions:
Familial hemiplegic migraine. Identifiers: MedGen C0338484, MONDO:0000700.

Submission:

Molecular Genetics, Royal Melbourne Hospital
Classification: Uncertain significance for Familial hemiplegic migraine. Last evaluated: 2023-09-04. Review status: criteria provided, single submitter. Criteria: ACMG Guidelines, 2015. Collection method: clinical testing. Allele origin: germline. Inheritance: Autosomal dominant inheritance. Affected: yes.
Comment: This sequence change in ATP1A2 occurs within the canonical splice donor site of intron 5. It is predicted to cause cryptic donor site activation resulting in an in-frame deletion (removes amino acids 163-165) in a region with an unknown role in protein function. This variant is absent from the population database gnomAD v2.1 and v3.1. To our knowledge, this variant is novel and has not been previously reported in the relevant scientific literature or databases. Based on the classification scheme RMH Modified ACMG/AMP Guidelines v1.6.1, this variant is classified as a VARIANT OF UNCERTAIN SIGNIFICANCE. Following criteria are met: PVS1_Moderate, PM2_Supporting